The following is an entry in ClinVar:

NM_005876.5(SPEG):c.8462C>T (p.Pro2821Leu)

Genes: ASIC4-AS1 (ASIC4 antisense RNA 1; minus strand), SPEG (striated muscle enriched protein kinase; plus strand). Cytogenetic location: 2q35.
Variant type: single nucleotide variant.
Coding change: c.8462C>T on transcript NM_005876.5 (MANE Select); coding-DNA position 8462, C replaced by T.
Protein change: p.Pro2821Leu; replaces proline 2821 with leucine.
Molecular consequence: missense variant.
Genome position (GRCh38, 1-based): chr2:219,489,480, C>T. VCF-style: chr2-219489480-C-T. GRCh37 (hg19) VCF-style: chr2-220354202-C-T.
Other names: short protein forms P2821L.
Identifiers: ClinVar variation 1485269 (VCV001485269.6), dbSNP rs2125592005, ClinGen allele CA350709157.

ClinVar aggregate classification (germline): Uncertain significance (1 of 4 stars; one submission).

Submission:

Labcorp Genetics (formerly Invitae), Labcorp
Classification: Uncertain significance. Last evaluated: 2024-02-24. Review status: criteria provided, single submitter. Criteria: Invitae Variant Classification Sherloc (09022015). Collection method: clinical testing. Allele origin: germline.
Comment: This sequence change replaces proline, which is neutral and non-polar, with leucine, which is neutral and non-polar, at codon 2821 of the SPEG protein (p.Pro2821Leu). This variant is not present in population databases (gnomAD no frequency). This variant has not been reported in the literature in individuals affected with SPEG-related conditions. ClinVar contains an entry for this variant (Variation ID: 1485269). An algorithm developed to predict the effect of missense changes on protein structure and function (PolyPhen-2) suggests that this variant is likely to be tolerated. In summary, the available evidence is currently insufficient to determine the role of this variant in disease. Therefore, it has been classified as a Variant of Uncertain Significance.